The following is an entry in ClinVar:

NC_000014.8:g.(?_92436017)_(92436257_?)del

Gene: TRIP11 (thyroid hormone receptor interactor 11; minus strand). Cytogenetic location: 14q32.12.
Variant type: Deletion.
Identifiers: ClinVar variation 3243957 (VCV003243957.1).

ClinVar aggregate classification (germline): Likely pathogenic (1 of 4 stars; one submission).

Conditions:
Achondrogenesis, type IA (ACG1A). Identifiers: Orphanet 932, Orphanet 93299, MedGen C0265273, MONDO:0008701, OMIM 200600.

Submission:

Labcorp Genetics (formerly Invitae), Labcorp
Classification: Likely pathogenic for Achondrogenesis, type IA. Last evaluated: 2023-05-20. Review status: criteria provided, single submitter. Criteria: Invitae Variant Classification Sherloc (09022015). Collection method: clinical testing. Allele origin: unknown.
Comment: This variant is a gross deletion of the genomic region encompassing exon(s) 21 of the TRIP11 gene, which includes the termination codon. This deletion extends beyond the assayed region for this gene and therefore may encompass additional genes. While this deletion is not anticipated to lead to nonsense mediated decay, it is expected to alter mRNA translation or result in a truncated protein product. A similar copy number variant has been observed in individual(s) with clinical features of achondrogenesis (PMID: 23956106). In at least one individual the data is consistent with being in trans (on the opposite chromosome) from a pathogenic variant. In summary, the currently available evidence indicates that the variant is pathogenic, but additional data are needed to prove that conclusively. Therefore, this variant has been classified as Likely Pathogenic.

Literature cited by the submitters: PubMed 23956106.